The following is an entry in ClinVar:

ClinVar aggregate classification (germline): Uncertain significance. Review status: criteria provided, multiple submitters, no conflicts (2 of 4 stars). 2 submissions from 2 submitters: Uncertain significance (2). Last evaluated 2025-09-25.

Conditions:
Inborn genetic diseases. Identifiers: MedGen C0950123, MeSH D030342.

Allele frequency attached by ClinVar (database versions not stated): gnomAD exomes below 0.00001; ExAC 0.00001; TOPMed 0.00001.
gnomAD v4.1: 7 of 1,612,836 alleles (0.00043%); highest among the groups gnomAD compares: Middle Eastern, 0.017%; no homozygotes.

Submissions (2):

Ambry Genetics
Classification: Uncertain significance for Inborn genetic diseases. Last evaluated: 2025-09-25. Review status: criteria provided, single submitter. Criteria: Ambry Variant Classification Scheme 2023. Collection method: clinical testing. Allele origin: germline.

Labcorp Genetics (formerly Invitae), Labcorp
Classification: Uncertain significance. Last evaluated: 2022-05-06. Review status: criteria provided, single submitter. Criteria: Invitae Variant Classification Sherloc (09022015). Collection method: clinical testing. Allele origin: germline.
Comment: This sequence change replaces valine, which is neutral and non-polar, with isoleucine, which is neutral and non-polar, at codon 1482 of the ABCA4 protein (p.Val1482Ile). This variant is present in population databases (rs779222666, gnomAD 0.002%). This variant has not been reported in the literature in individuals affected with ABCA4-related conditions. Advanced modeling of protein sequence and biophysical properties (such as structural, functional, and spatial information, amino acid conservation, physicochemical variation, residue mobility, and thermodynamic stability) performed at Invitae indicates that this missense variant is not expected to disrupt ABCA4 protein function. In summary, the available evidence is currently insufficient to determine the role of this variant in disease. Therefore, it has been classified as a Variant of Uncertain Significance.

NM_000350.3(ABCA4):c.4444G>A (p.Val1482Ile)

Gene: ABCA4 (ATP binding cassette subfamily A member 4; minus strand). Cytogenetic location: 1p22.1.
Variant type: single nucleotide variant.
Coding change: c.4444G>A on transcript NM_000350.3 (MANE Select); coding-DNA position 4444, G replaced by A.
Protein change: p.Val1482Ile; replaces valine 1482 with isoleucine.
Molecular consequence: missense variant.
Genome position (GRCh38, 1-based): chr1:94,029,540, C>T on the plus strand (G>A on the coding strand, the complement: ABCA4 is on the minus strand). VCF-style: chr1-94029540-C-T. GRCh37 (hg19) VCF-style: chr1-94495096-C-T.
Other names: c.4222G>A, p.Val1408Ile (NM_001425324.1); c.4444G>A (NM_000350.2); short protein forms V1482I, V1408I.
Identifiers: ClinVar variation 1926167 (VCV001926167.3), dbSNP rs779222666, ClinGen allele CA957603.